The following is an entry in ClinVar:

ClinVar aggregate classification (germline): Benign/Likely benign. Review status: criteria provided, multiple submitters, no conflicts (2 of 4 stars). 2 submissions from 2 submitters: Benign (1); Likely benign (1). Last evaluated 2025-05-13.

Conditions:
Tuberous sclerosis 2 (TSC2). Identifiers: Orphanet 805, MedGen C1860707, MONDO:0013199, OMIM 613254.
Tuberous sclerosis syndrome (TSC). Also called: Tuberous sclerosis; Tuberous Sclerosis Complex. Identifiers: Orphanet 805, MedGen C0041341, MONDO:0001734.

Submissions (2):

Myriad Genetics, Inc.
Classification: Benign for Tuberous sclerosis 2. Last evaluated: 2025-05-13. Review status: criteria provided, single submitter. Criteria: Myriad Autosomal Dominant, Autosomal Recessive and X-Linked Classification Criteria (2023). Collection method: clinical testing. Allele origin: unknown.
Comment: This variant is considered benign. This variant is a silent/synonymous amino acid change and it is not expected to impact splicing.

All of Us Research Program, National Institutes of Health
Classification: Likely benign for Tuberous sclerosis syndrome. Last evaluated: 2023-04-28. Review status: criteria provided, single submitter. Criteria: ACMG Guidelines, 2015. Collection method: clinical testing. Allele origin: germline. Inheritance: Autosomal dominant inheritance. Observed: 1 variant allele, 1 heterozygote.
Comment: This study involves interpretation of variants in research participants for the purpose of population health screening. Participant phenotype was not available at the time of variant classification. Additional details can be found in publication PMID: 35346344, PMCID: PMC8962531

NM_000548.5(TSC2):c.1098A>G (p.Glu366=)

Gene: TSC2 (TSC complex subunit 2; plus strand). Cytogenetic location: 16p13.3.
Variant type: single nucleotide variant.
Coding change: c.1098A>G on transcript NM_000548.5 (MANE Select); coding-DNA position 1098, A replaced by G.
Protein change: p.Glu366=; no amino-acid change (glutamic acid 366 retained).
Molecular consequence: synonymous variant. On other transcripts: 5 prime UTR variant (10), non-coding transcript variant (5).
Genome position (GRCh38, 1-based): chr16:2,060,792, A>G. VCF-style: chr16-2060792-A-G. GRCh37 (hg19) VCF-style: chr16-2110793-A-G.
Other names: c.1098A>G, p.Glu366= (NM_001077183.3, NM_001114382.3, NM_001363528.2 and 6 more transcripts); c.987A>G, p.Glu329= (NM_001318827.2, NM_001406670.1, NM_001406678.1); c.951A>G, p.Glu317= (NM_001318829.2, NM_001406675.1, NM_001406676.1 and 1 more transcripts); c.498A>G, p.Glu166= (NM_001318831.2, NM_001406680.1, NM_001406682.1 and 6 more transcripts); c.1131A>G, p.Glu377= (NM_001318832.2); c.1188A>G, p.Glu396= (NM_001406667.1, NM_001406668.1); c.1086A>G, p.Glu362= (NM_001406671.1, NM_001406673.1); c.1041A>G, p.Glu347= (NM_001406677.1); and 4 more.
Identifiers: ClinVar variation 3069227 (VCV003069227.2), dbSNP rs113071226, ClinGen allele CA276776714.